The following is an entry in ClinVar:

NM_024496.4(IRF2BPL):c.46C>T (p.Leu16=)

Genes: IRF2BPL (interferon regulatory factor 2 binding protein like; minus strand), LOC107984638 (uncharacterized LOC107984638; plus strand). Cytogenetic location: 14q24.3.
Variant type: single nucleotide variant.
Coding change: c.46C>T on transcript NM_024496.4 (MANE Select); coding-DNA position 46, C replaced by T.
Protein change: p.Leu16=; no amino-acid change (leucine 16 retained).
Molecular consequence: synonymous variant.
Genome position (GRCh38, 1-based): chr14:77,027,747, G>A on the plus strand (C>T on the coding strand, the complement: IRF2BPL is on the minus strand). VCF-style: chr14-77027747-G-A. GRCh37 (hg19) VCF-style: chr14-77494090-G-A.
Identifiers: ClinVar variation 3039890 (VCV003039890.3), dbSNP rs761071985, ClinGen allele CA7284118.

ClinVar aggregate classification (germline): Likely benign. Review status: criteria provided, single submitter (1 of 4 stars). 2 submissions from 2 submitters: Likely benign (1). 1 of the submissions does not count toward it. Last evaluated 2024-09-06.

Conditions:
IRF2BPL-related disorder. Also called: IRF2BPL-related condition. Identifiers: MedGen CN381093.

Allele frequency attached by ClinVar (database versions not stated): gnomAD exomes 0.00001; ExAC 0.00002; gnomAD 0.00002; TOPMed 0.00002.

Submissions (2):

Blueprint Genetics
Classification: Likely benign. Last evaluated: 2024-09-06. Review status: criteria provided, single submitter. Criteria: ACMG Guidelines, 2015. Collection method: clinical testing. Allele origin: germline.

PreventionGenetics, part of Exact Sciences
Classification: Likely benign for IRF2BPL-related condition. Last evaluated: 2019-09-18. Review status: no assertion criteria provided. Collection method: clinical testing. Allele origin: germline. Not counted in ClinVar's aggregate classification.
Comment: This variant is classified as likely benign based on ACMG/AMP sequence variant interpretation guidelines (Richards et al. 2015 PMID: 25741868, with internal and published modifications).